The following is an entry in ClinVar:

ClinVar aggregate classification (germline): Uncertain significance (1 of 4 stars; one submission).

Submission:

Labcorp Genetics (formerly Invitae), Labcorp
Classification: Uncertain significance. Last evaluated: 2022-07-05. Review status: criteria provided, single submitter. Criteria: Invitae Variant Classification Sherloc (09022015). Collection method: clinical testing. Allele origin: germline.
Comment: This variant, c.8200_8202del, results in the deletion of 1 amino acid(s) of the SPEG protein (p.Asn2734del), but otherwise preserves the integrity of the reading frame. This variant is present in population databases (rs746661931, gnomAD 0.005%). This variant has not been reported in the literature in individuals affected with SPEG-related conditions. ClinVar contains an entry for this variant (Variation ID: 1376512). Experimental studies and prediction algorithms are not available or were not evaluated, and the functional significance of this variant is currently unknown. In summary, the available evidence is currently insufficient to determine the role of this variant in disease. Therefore, it has been classified as a Variant of Uncertain Significance.

NM_005876.5(SPEG):c.8200_8202del (p.Asn2734del)

Genes: ASIC4-AS1 (ASIC4 antisense RNA 1; minus strand), SPEG (striated muscle enriched protein kinase; plus strand). Cytogenetic location: 2q35.
Variant type: Deletion.
Coding change: c.8200_8202del on transcript NM_005876.5 (MANE Select); coding-DNA positions 8200 to 8202, 3 bases deleted (AAC; older notation c.8200_8202delAAC).
Protein change: p.Asn2734del; deletes asparagine 2734.
Molecular consequence: inframe deletion.
Genome position (GRCh38, 1-based): chr2:219,489,104-219,489,106, AAC deleted; deleting any 3 consecutive bases within chr2:219,489,102-219,489,106 gives the same sequence; the c. name uses the placement nearest the transcript's 3' end. VCF-style (leftmost placement, unchanged base first): chr2-219489101-TACA-T. GRCh37 (hg19) VCF-style: chr2-220353823-TACA-T.
Other names: short protein forms N2734del.
Identifiers: ClinVar variation 1376512 (VCV001376512.5), dbSNP rs746661931, ClinGen allele CA2127429.